The following is an entry in ClinVar:

ClinVar aggregate classification (germline): Uncertain significance. Review status: criteria provided, multiple submitters, no conflicts (2 of 4 stars). 2 submissions from 2 submitters: Uncertain significance (2). Last evaluated 2024-03-25.

Conditions:
Early Myoclonic Encephalopathy. Identifiers: MedGen C0270855.

Allele frequency attached by ClinVar (database versions not stated): ExAC 0.00001; ESP Exome Variant Server 0.00008; gnomAD exomes 0.00001; TOPMed 0.00001.
gnomAD v4.1: 22 of 1,614,042 alleles (0.0014%); highest among the groups gnomAD compares: East Asian, 0.0045%; no homozygotes.

Submissions (2):

Ambry Genetics
Classification: Uncertain significance. Last evaluated: 2024-03-25. Review status: criteria provided, single submitter. Criteria: Ambry Variant Classification Scheme 2023. Collection method: clinical testing. Allele origin: germline.

Labcorp Genetics (formerly Invitae), Labcorp
Classification: Uncertain significance for Early Myoclonic Encephalopathy. Last evaluated: 2023-07-17. Review status: criteria provided, single submitter. Criteria: Invitae Variant Classification Sherloc (09022015). Collection method: clinical testing. Allele origin: germline.
Comment: This variant is present in population databases (rs368940089, gnomAD 0.002%). This variant has not been reported in the literature in individuals affected with JMJD1C-related conditions. ClinVar contains an entry for this variant (Variation ID: 938472). Advanced modeling of protein sequence and biophysical properties (such as structural, functional, and spatial information, amino acid conservation, physicochemical variation, residue mobility, and thermodynamic stability) performed at Invitae indicates that this missense variant is expected to disrupt JMJD1C protein function. In summary, the available evidence is currently insufficient to determine the role of this variant in disease. Therefore, it has been classified as a Variant of Uncertain Significance. This sequence change replaces arginine, which is basic and polar, with histidine, which is basic and polar, at codon 1308 of the JMJD1C protein (p.Arg1308His).

NM_032776.3(JMJD1C):c.3923G>A (p.Arg1308His)

Gene: JMJD1C (jumonji domain containing 1C; minus strand). Cytogenetic location: 10q21.3.
Variant type: single nucleotide variant.
Coding change: c.3923G>A on transcript NM_032776.3 (MANE Select); coding-DNA position 3923, G replaced by A.
Protein change: p.Arg1308His; replaces arginine 1308 with histidine.
Molecular consequence: missense variant. On other transcripts: non-coding transcript variant (1).
Genome position (GRCh38, 1-based): chr10:63,207,746, C>T on the plus strand (G>A on the coding strand, the complement: JMJD1C is on the minus strand). VCF-style: chr10-63207746-C-T. GRCh37 (hg19) VCF-style: chr10-64967506-C-T.
Other names: c.3377G>A, p.Arg1126His (NM_001282948.2, NM_001318154.2); c.3059G>A, p.Arg1020His (NM_001318153.2); c.3809G>A, p.Arg1270His (NM_001322252.2); c.3266G>A, p.Arg1089His (NM_001322254.2, NM_001322258.2); c.3923G>A (NM_032776.1); short protein forms R1126H, R1270H, R1020H, R1089H, R1308H.
Identifiers: ClinVar variation 938472 (VCV000938472.10), dbSNP rs368940089, ClinGen allele CA5518357.